The following is an entry in ClinVar:

ClinVar aggregate classification (germline): Conflicting classifications of pathogenicity. Review status: criteria provided, conflicting classifications (1 of 4 stars). 7 submissions from 7 submitters: Uncertain significance (1); Likely benign (5). 1 of the submissions does not count toward it. Last evaluated 2026-03-01.

Conditions:
Inborn genetic diseases. Identifiers: MedGen C0950123, MeSH D030342.
Cohen syndrome (COH1). Also called: Cutis verticis gyrata, retinitis pigmentosa, and sensorineural deafness; PEPPER SYNDROME. Identifiers: Orphanet 193, MedGen C0265223, MONDO:0008999, OMIM 216550.

Allele frequency attached by ClinVar (database versions not stated): gnomAD exomes 0.00008; ExAC 0.00022; gnomAD 0.00069 and 0.00073; TOPMed 0.00089; 1000 Genomes Project 0.00100; ESP Exome Variant Server 0.00100; 1000 Genomes Project 30x 0.00156.
gnomAD v4.1: 235 of 1,614,194 alleles (0.015%); highest among the groups gnomAD compares: African/African-American, 0.26%; no homozygotes.

Submissions (7):

CeGaT Center for Human Genetics Tuebingen
Classification: Likely benign. Last evaluated: 2026-03-01. Review status: criteria provided, single submitter. Criteria: CeGaT Center For Human Genetics Tuebingen Variant Classification Criteria Version 2. Collection method: clinical testing. Allele origin: germline. Affected: yes. Observed: 1 variant allele.
Comment: VPS13B: BP4, BP7

Labcorp Genetics (formerly Invitae), Labcorp
Classification: Likely benign for Cohen syndrome. Last evaluated: 2026-01-28. Review status: criteria provided, single submitter. Criteria: Invitae Variant Classification Sherloc (09022015). Collection method: clinical testing. Allele origin: germline.

Blueprint Genetics
Classification: Likely benign. Last evaluated: 2024-06-03. Review status: criteria provided, single submitter. Criteria: ACMG Guidelines, 2015. Collection method: clinical testing. Allele origin: germline.

Ambry Genetics
Classification: Likely benign for Inborn genetic diseases. Last evaluated: 2017-01-18. Review status: criteria provided, single submitter. Criteria: Ambry Variant Classification Scheme 2023. Collection method: clinical testing. Allele origin: germline.

Genetic Services Laboratory, University of Chicago
Classification: Likely benign. Last evaluated: 2016-08-05. Review status: criteria provided, single submitter. Criteria: ACMG Guidelines, 2015. Collection method: clinical testing. Allele origin: germline. Affected: no.

Eurofins Ntd Llc (ga)
Classification: Uncertain significance. Last evaluated: 2015-06-01. Review status: criteria provided, single submitter. Criteria: EGL Classification Definitions 2015. Collection method: clinical testing. Allele origin: germline. Observed: 2 variant alleles, 2 heterozygotes.

Natera, Inc.
Classification: Likely benign for Cohen syndrome. Last evaluated: 2020-09-16. Review status: no assertion criteria provided. Collection method: clinical testing. Allele origin: germline. Not counted in ClinVar's aggregate classification.

NM_152564.5(VPS13B):c.10240T>C (p.Leu3414=)

Gene: VPS13B (vacuolar protein sorting 13 homolog B; plus strand). Cytogenetic location: 8q22.2.
Variant type: single nucleotide variant.
Coding change: c.10240T>C on transcript NM_152564.5 (MANE Select); coding-DNA position 10240, T replaced by C.
Protein change: p.Leu3414=; no amino-acid change (leucine 3414 retained).
Molecular consequence: synonymous variant.
Genome position (GRCh38, 1-based): chr8:99,853,629, T>C. VCF-style: chr8-99853629-T-C. GRCh37 (hg19) VCF-style: chr8-100865857-T-C.
Other names: c.10315T>C, p.Leu3439= (NM_017890.5).
Identifiers: ClinVar variation 197995 (VCV000197995.66), dbSNP rs145279584, ClinGen allele CA246447.